The following is an entry in ClinVar:

ClinVar aggregate classification (germline): Conflicting classifications of pathogenicity. Review status: criteria provided, conflicting classifications (1 of 4 stars). 7 submissions from 7 submitters: Uncertain significance (6); Likely benign (1). Last evaluated 2025-12-14.

Conditions:
DSP-related disorder. Also called: DSP-related disorders; DSP-related condition.
Cardiovascular phenotype. Identifiers: MedGen CN230736.
Arrhythmogenic right ventricular dysplasia 8 (ARVD8). Also called: Arrhythmogenic Right Ventricular Dysplasia/Cardiomyopathy 8; ARRHYTHMOGENIC RIGHT VENTRICULAR DYSPLASIA, FAMILIAL, 8; ARRHYTHMOGENIC RIGHT VENTRICULAR CARDIOMYOPATHY 8. Identifiers: MedGen C1843896, MONDO:0011831, OMIM 607450.
Woolly hair-skin fragility syndrome (WHSF). Identifiers: Orphanet 293165, MedGen C1843292, MONDO:0957307, OMIM 620415.
Keratosis palmoplantaris striata 2. Also called: Keratosis palmoplantaris striata II; KERATODERMA, PALMOPLANTAR, STRIATE FORM II; STRIATE PALMOPLANTAR KERATODERMA II. Identifiers: MedGen C1852127, MONDO:0013034, OMIM 612908.
Arrhythmogenic cardiomyopathy with wooly hair and keratoderma. Also called: Dilated cardiomyopathy with woolly hair and keratoderma; Arrhythmogenic cardiomyopathy with woolly hair and keratoderma; Carvajal syndrome; PALMOPLANTAR KERATODERMA WITH LEFT VENTRICULAR CARDIOMYOPATHY AND WOOLLY HAIR. Identifiers: Orphanet 65282, MedGen C1854063, MONDO:0011581, OMIM 605676.
Lethal acantholytic epidermolysis bullosa (EBLA). Identifiers: Orphanet 158687, MedGen C1864826, MONDO:0012323, OMIM 609638.
Cardiomyopathy, dilated, with wooly hair, keratoderma, and tooth agenesis. Also called: Cardiomyopathy, dilated, with woolly hair, keratoderma, and tooth agenesis; Erythrokeratodermia-cardiomyopathy syndrome. Identifiers: Orphanet 476096, Orphanet 65282, MedGen C4014393, MONDO:0014355, OMIM 615821.
Cardiomyopathy (CMYO). Also called: Cardiomyopathies. Identifiers: Orphanet 167848, MedGen C0878544, MONDO:0004994, HP:0001638. Inheritance: Various modes of inheritance.

Allele frequency attached by ClinVar (database versions not stated): TOPMed 0.00002.
gnomAD v4.1: 21 of 1,607,158 alleles (0.0013%); highest among the groups gnomAD compares: Admixed American, 0.005%; no homozygotes.

Submissions (7):

Labcorp Genetics (formerly Invitae), Labcorp
Classification: Likely benign for Arrhythmogenic cardiomyopathy with wooly hair and keratoderma; Arrhythmogenic right ventricular dysplasia 8. Last evaluated: 2025-12-14. Review status: criteria provided, single submitter. Criteria: Invitae Variant Classification Sherloc (09022015). Collection method: clinical testing. Allele origin: germline.

PreventionGenetics, part of Exact Sciences
Classification: Uncertain significance for DSP-related condition. Last evaluated: 2025-07-29. Review status: criteria provided, single submitter. Criteria: ACMG Guidelines, 2015. Collection method: clinical testing. Allele origin: germline.
Comment: The DSP c.47G>C variant is predicted to result in the amino acid substitution p.Arg16Pro. To our knowledge, this variant has not been reported in the literature. This variant is reported in 0.0060% of alleles in individuals of Latino descent in gnomAD. At this time, the clinical significance of this variant is uncertain due to the absence of conclusive functional and genetic evidence.

Ambry Genetics
Classification: Uncertain significance for Cardiovascular phenotype. Last evaluated: 2025-03-29. Review status: criteria provided, single submitter. Criteria: Ambry Variant Classification Scheme 2023. Collection method: clinical testing. Allele origin: germline.
Comment: The p.R16P variant (also known as c.47G>C), located in coding exon 1 of the DSP gene, results from a G to C substitution at nucleotide position 47. The arginine at codon 16 is replaced by proline, an amino acid with dissimilar properties. This amino acid position is well conserved in available vertebrate species. In addition, this alteration is predicted to be deleterious by in silico analysis. Since supporting evidence is limited at this time, the clinical significance of this alteration remains unclear.

All of Us Research Program, National Institutes of Health
Classification: Uncertain significance for Arrhythmogenic cardiomyopathy with wooly hair and keratoderma. Last evaluated: 2024-09-11. Review status: criteria provided, single submitter. Criteria: ACMG Guidelines, 2015. Collection method: clinical testing. Allele origin: germline. Inheritance: Autosomal dominant inheritance. Observed: 13 variant alleles, 13 heterozygotes.
Comment: This missense variant replaces arginine with proline at codon 16 of the DSP protein. Computational prediction suggests that this variant may not impact protein structure and function (internally defined REVEL score threshold <= 0.5, PMID: 27666373). To our knowledge, functional studies have not been reported for this variant. This variant has not been reported in individuals affected with DSP-related disorders in the literature. This variant has been identified in 5/227516 chromosomes in the general population by the Genome Aggregation Database (gnomAD). The available evidence is insufficient to determine the role of this variant in disease conclusively. Therefore, this variant is classified as a Variant of Uncertain Significance.

This study involves interpretation of variants in research participants for the purpose of population health screening. Participant phenotype was not available at the time of variant classification. Additional details can be found in publication PMID: 35346344, PMCID: PMC8962531

Color Diagnostics, LLC DBA Color Health
Classification: Uncertain significance for Cardiomyopathy. Last evaluated: 2024-07-31. Review status: criteria provided, single submitter. Criteria: ACMG Guidelines, 2015. Collection method: clinical testing. Allele origin: germline.
Comment: This missense variant replaces arginine with proline at codon 16 of the DSP protein. Computational prediction suggests that this variant may not impact protein structure and function. To our knowledge, functional studies have not been reported for this variant. This variant has not been reported in individuals affected with DSP-related disorders in the literature. This variant has been identified in 5/227516 chromosomes in the general population by the Genome Aggregation Database (gnomAD). The available evidence is insufficient to determine the role of this variant in disease conclusively. Therefore, this variant is classified as a Variant of Uncertain Significance.

Fulgent Genetics
Classification: Uncertain significance for Arrhythmogenic cardiomyopathy with wooly hair and keratoderma; Arrhythmogenic right ventricular dysplasia 8; Lethal acantholytic epidermolysis bullosa; Keratosis palmoplantaris striata 2; Cardiomyopathy, dilated, with wooly hair, keratoderma, and tooth agenesis. Last evaluated: 2021-07-27. Review status: criteria provided, single submitter. Criteria: ACMG Guidelines, 2015. Collection method: clinical testing. Allele origin: unknown.

GeneDx
Classification: Uncertain significance. Last evaluated: 2021-02-22. Review status: criteria provided, single submitter. Criteria: GeneDx Variant Classification Process June 2021. Collection method: clinical testing. Allele origin: germline. Affected: yes.
Comment: Has not been previously published as pathogenic or benign to our knowledge; Not observed at a significant frequency in large population cohorts (Lek et al., 2016); In silico analysis supports that this missense variant does not alter protein structure/function

NM_004415.4(DSP):c.47G>C (p.Arg16Pro)

Genes: DSP (desmoplakin; plus strand), DSP-AS1 (DSP antisense RNA 1; minus strand). Cytogenetic location: 6p24.3.
Variant type: single nucleotide variant.
Coding change: c.47G>C on transcript NM_004415.4 (MANE Select); coding-DNA position 47, G replaced by C.
Protein change: p.Arg16Pro; replaces arginine 16 with proline.
Molecular consequence: missense variant.
Genome position (GRCh38, 1-based): chr6:7,541,962, G>C. VCF-style: chr6-7541962-G-C. GRCh37 (hg19) VCF-style: chr6-7542195-G-C.
Other names: p.R16P:CGC>CCC; c.47G>C (LRG_423t1, NM_004415.3); c.47G>C, p.Arg16Pro (NM_001008844.3, NM_001319034.2); short protein forms R16P.
Identifiers: ClinVar variation 199913 (VCV000199913.23), dbSNP rs752387234, ClinGen allele CA006233.
Genomic context (GRCh38, chr6:7,541,962, plus strand): 5'-GATTGCCCGCCGACATGAGCTGCAACGGAGGCTCCCACCCGCGGATCAACACTCTGGGCC[G>C]CATGATCCGCGCCGAGTCTGGCCCGGACCTGCGCTACGAGGTGACCAGCGGCGGCGGGGG-3'
Protein context (NP_004406.2, residues 6-26): GSHPRINTLG[Arg16Pro]MIRAESGPDL